The following is an entry in ClinVar:

NM_006531.5(IFT88):c.1583A>G (p.Tyr528Cys)

Gene: IFT88 (intraflagellar transport 88; plus strand). Cytogenetic location: 13q12.11.
Variant type: single nucleotide variant.
Coding change: c.1583A>G on transcript NM_006531.5 (MANE Select); coding-DNA position 1583, A replaced by G.
Protein change: p.Tyr528Cys; replaces tyrosine 528 with cysteine.
Molecular consequence: missense variant. On other transcripts: non-coding transcript variant (4).
Genome position (GRCh38, 1-based): chr13:20,641,299, A>G. VCF-style: chr13-20641299-A-G. GRCh37 (hg19) VCF-style: chr13-21215438-A-G.
Other names: c.1526A>G, p.Tyr509Cys (NM_001318491.2, NM_001353575.2); c.1610A>G, p.Tyr537Cys (NM_001318493.2, NM_001353565.2, NM_001353566.2 and 2 more transcripts); c.1583A>G, p.Tyr528Cys (NM_001353568.2, NM_001353572.2); c.1508A>G, p.Tyr503Cys (NM_001353569.2, NM_001353570.2, NM_001353576.2 and 1 more transcripts); c.1481A>G, p.Tyr494Cys (NM_001353571.2, NM_001353578.2); c.1439A>G, p.Tyr480Cys (NM_001353573.2); c.1424A>G, p.Tyr475Cys (NM_001353574.2); c.950A>G, p.Tyr317Cys (NM_001353579.2); short protein forms Y480C, Y503C, Y537C, Y475C, Y528C, Y317C, Y494C, Y509C.
Identifiers: ClinVar variation 1927286 (VCV001927286.5), dbSNP rs537967756, ClinGen allele CA6905467.

ClinVar aggregate classification (germline): Uncertain significance (1 of 4 stars; one submission).

Allele frequency attached by ClinVar (database versions not stated): TOPMed 0.00001; gnomAD 0.00005; gnomAD exomes 0.00005; ExAC 0.00015; 1000 Genomes Project 0.00040; 1000 Genomes Project 30x 0.00062.
gnomAD v4.1: 87 of 1,605,444 alleles (0.0054%); highest among the groups gnomAD compares: South Asian, 0.073%; no homozygotes.

Submission:

Labcorp Genetics (formerly Invitae), Labcorp
Classification: Uncertain significance. Last evaluated: 2024-07-03. Review status: criteria provided, single submitter. Criteria: Invitae Variant Classification Sherloc (09022015). Collection method: clinical testing. Allele origin: germline.
Comment: This sequence change replaces tyrosine, which is neutral and polar, with cysteine, which is neutral and slightly polar, at codon 537 of the IFT88 protein (p.Tyr537Cys). This variant is present in population databases (rs537967756, gnomAD 0.08%), and has an allele count higher than expected for a pathogenic variant. This variant has not been reported in the literature in individuals affected with IFT88-related conditions. ClinVar contains an entry for this variant (Variation ID: 1927286). Algorithms developed to predict the effect of missense changes on protein structure and function output the following: SIFT: "Not Available"; PolyPhen-2: "Benign"; Align-GVGD: "Not Available". The cysteine amino acid residue is found in multiple mammalian species, which suggests that this missense change does not adversely affect protein function. In summary, the available evidence is currently insufficient to determine the role of this variant in disease. Therefore, it has been classified as a Variant of Uncertain Significance.